The following is an entry in ClinVar:

ClinVar aggregate classification (germline): Pathogenic (1 of 4 stars; one submission).

Submission:

Labcorp Genetics (formerly Invitae), Labcorp
Classification: Pathogenic. Last evaluated: 2025-07-22. Review status: criteria provided, single submitter. Criteria: Invitae Variant Classification Sherloc (09022015). Collection method: clinical testing. Allele origin: germline.
Comment: This variant, c.1852_1878del, results in the deletion of 9 amino acid(s) of the COL4A4 protein (p.Leu618_Pro626del), but otherwise preserves the integrity of the reading frame. This variant is not present in population databases (gnomAD no frequency). This variant has not been reported in the literature in individuals affected with COL4A4-related conditions. This variant disrupts a region of the COL4A4 protein in which other variant(s) (p.Gly619Asp) have been determined to be pathogenic (PMID: 27469977). This suggests that this is a clinically significant region of the protein, and that variants that disrupt it are likely to be disease-causing. For these reasons, this variant has been classified as Pathogenic.

Literature cited by the submitters: PubMed 27469977.

NM_000092.5(COL4A4):c.1852_1878del (p.Leu618_Pro626del)

Gene: COL4A4 (collagen type IV alpha 4 chain; minus strand). Cytogenetic location: 2q36.3.
Variant type: Deletion.
Coding change: c.1852_1878del on transcript NM_000092.5 (MANE Select); coding-DNA positions 1852 to 1878, 27 bases deleted (CTGGGCCCCCCAGGCAAAGCAGGACCT).
Protein change: p.Leu618_Pro626del.
Molecular consequence: inframe deletion.
Genome position (GRCh38, 1-based): chr2:227,078,003-227,078,029, AGGTCCTGCTTTGCCTGGGGGGCCCAG deleted on the plus strand (CTGGGCCCCCCAGGCAAAGCAGGACCT on the coding strand, the reverse complement: COL4A4 is on the minus strand); deleting any 27 consecutive bases within chr2:227,078,003-227,078,035 gives the same sequence; the c. name uses the placement nearest the transcript's 3' end. VCF-style (leftmost placement, unchanged base first): chr2-227078002-CAGGTCCTGCTTTGCCTGGGGGGCCCAG-C. GRCh37 (hg19) VCF-style: chr2-227942718-CAGGTCCTGCTTTGCCTGGGGGGCCCAG-C.
Identifiers: ClinVar variation 4723412 (VCV004723412.1).
Genomic context (GRCh38, chr2:227,078,002, plus strand): 5'-GAACTCCTGGGTGGCCTCGCTCTCCTGGTGGACCAGGAAATCCCAGTCCTGGGGGCCCCA[CAGGTCCTGCTTTGCCTGGGGGGCCCAG>C]AGGTCCAGGAAATCCTTTACCACCTGGGGTCGCATCTTCATGATCCCCCTGGGAATGTTA-3'